The following is an entry in ClinVar:

ClinVar aggregate classification (germline): Uncertain significance. Review status: criteria provided, multiple submitters, no conflicts (2 of 4 stars). 3 submissions from 3 submitters: Uncertain significance (3). Last evaluated 2026-05-13.

Conditions:
Inborn genetic diseases. Identifiers: MedGen C0950123, MeSH D030342.
DSPP-related disorder. Also called: DSPP-related condition.

gnomAD v4.1: 42 of 1,613,996 alleles (0.0026%); highest among the groups gnomAD compares: Non-Finnish European, 0.0035%; no homozygotes.

Submissions (3):

PreventionGenetics, part of Exact Sciences
Classification: Uncertain significance for DSPP-related condition. Last evaluated: 2026-05-13. Review status: criteria provided, single submitter. Criteria: ACMG Guidelines, 2015. Collection method: clinical testing. Allele origin: germline.
Comment: The DSPP c.950T>A variant is predicted to result in the amino acid substitution p.Val317Asp. To our knowledge, this variant has not been reported in the literature. This variant is reported in 0.0023% of alleles in individuals of European (Non-Finnish) descent in gnomAD. At this time, the clinical significance of this variant is uncertain due to the absence of conclusive functional and genetic evidence.

GeneDx
Classification: Uncertain significance. Last evaluated: 2025-05-08. Review status: criteria provided, single submitter. Criteria: GeneDx Variant Classification Process June 2021. Collection method: clinical testing. Allele origin: germline.
Comment: In silico analysis suggests that this missense variant does not alter protein structure/function; Has not been previously published as pathogenic or benign to our knowledge

Ambry Genetics
Classification: Uncertain significance for Inborn genetic diseases. Last evaluated: 2024-11-24. Review status: criteria provided, single submitter. Criteria: Ambry Variant Classification Scheme 2023. Collection method: clinical testing. Allele origin: germline.

NM_014208.3(DSPP):c.950T>A (p.Val317Asp)

Genes: DMP1-AS1 (DMP1 and DSPP antisense RNA 1; minus strand), DSPP (dentin sialophosphoprotein; plus strand). Cytogenetic location: 4q22.1.
Variant type: single nucleotide variant.
Coding change: c.950T>A on transcript NM_014208.3 (MANE Select); coding-DNA position 950, T replaced by A.
Protein change: p.Val317Asp; replaces valine 317 with aspartic acid.
Molecular consequence: missense variant.
Genome position (GRCh38, 1-based): chr4:87,613,136, T>A. VCF-style: chr4-87613136-T-A. GRCh37 (hg19) VCF-style: chr4-88534288-T-A.
Other names: short protein forms V317D.
Identifiers: ClinVar variation 3505562 (VCV003505562.4).